The following is an entry in ClinVar:

ClinVar aggregate classification (germline): Likely benign. Review status: criteria provided, single submitter (1 of 4 stars). 2 submissions from 2 submitters: Likely benign (1). 1 of the submissions does not count toward it. Last evaluated 2023-03-08.

Conditions:
PHIP-related disorder. Also called: PHIP-related condition; PHIP-related disorders.

Allele frequency attached by ClinVar (database versions not stated): TOPMed below 0.00001.
gnomAD v4.1: 3 of 1,613,582 alleles (0.00019%); highest among the groups gnomAD compares: African/African-American, 0.0027%; no homozygotes.

Submissions (2):

Labcorp Genetics (formerly Invitae), Labcorp
Classification: Likely benign. Last evaluated: 2023-03-08. Review status: criteria provided, single submitter. Criteria: Invitae Variant Classification Sherloc (09022015). Collection method: clinical testing. Allele origin: germline.

PreventionGenetics, part of Exact Sciences
Classification: Likely benign for PHIP-related condition. Last evaluated: 2023-04-26. Review status: no assertion criteria provided. Collection method: clinical testing. Allele origin: germline. Not counted in ClinVar's aggregate classification.
Comment: This variant is classified as likely benign based on ACMG/AMP sequence variant interpretation guidelines (Richards et al. 2015 PMID: 25741868, with internal and published modifications).

NM_017934.7(PHIP):c.3255C>A (p.Ile1085=)

Genes: IRAK1BP1 (interleukin 1 receptor associated kinase 1 binding protein 1; plus strand), PHIP (PHIP subunit of CUL4-Ring ligase complex; minus strand). Cytogenetic location: 6q14.1.
Variant type: single nucleotide variant.
Coding change: c.3255C>A on transcript NM_017934.7 (MANE Select); coding-DNA position 3255, C replaced by A.
Protein change: p.Ile1085=; no amino-acid change (isoleucine 1085 retained).
Molecular consequence: synonymous variant.
Genome position (GRCh38, 1-based): chr6:78,966,007, G>T on the plus strand (C>A on the coding strand, the complement: PHIP is on the minus strand). VCF-style: chr6-78966007-G-T. GRCh37 (hg19) VCF-style: chr6-79675724-G-T.
Other names: c.3255C>A (NM_017934.6).
Identifiers: ClinVar variation 2787895 (VCV002787895.5), dbSNP rs1269812345, ClinGen allele CA451024270.